The following is an entry in ClinVar:

ClinVar aggregate classification (germline): Uncertain significance. Review status: criteria provided, multiple submitters, no conflicts (2 of 4 stars). 3 submissions from 3 submitters: Uncertain significance (3). Last evaluated 2021-08-20.

Conditions:
Primary ciliary dyskinesia 30. Also called: CILIARY DYSKINESIA, PRIMARY, 30, WITH OR WITHOUT SITUS INVERSUS. Identifiers: Orphanet 244, MedGen C4015016, MONDO:0014465, OMIM 616037.

Allele frequency attached by ClinVar (database versions not stated): gnomAD 0.00006; ESP Exome Variant Server 0.00008; TOPMed 0.00022.
gnomAD v4.1: 109 of 1,611,544 alleles (0.0068%); highest among the groups gnomAD compares: Admixed American, 0.04%; no homozygotes.

Submissions (3):

ARUP Laboratories, Molecular Genetics and Genomics, ARUP Laboratories
Classification: Uncertain significance for Primary ciliary dyskinesia 30. Last evaluated: 2021-08-20. Review status: criteria provided, single submitter. Criteria: ARUP Molecular Germline Variant Investigation Process 2021. Collection method: clinical testing. Allele origin: germline.
Comment: The ODAD3 c.1435-5C>A variant (rs371246808), to our knowledge, is not reported in the medical literature but is reported in ClinVar (Variation ID: 949281). This variant is found in the Latino/Admixed American population with an allele frequency of 0.04% (14/35230 alleles, including 0 homozygote) in the Genome Aggregation Database. This is an intronic variant in a weakly conserved nucleotide, but computational analyses (Alamut v.2.11) predict that this variant may impact splicing by weakening the nearby canonical acceptor splice site. However, given the lack of clinical and functional data, the significance of the ODAD3 c.1435-5C>A variant is uncertain at this time.

Labcorp Genetics (formerly Invitae), Labcorp
Classification: Uncertain significance for Primary ciliary dyskinesia 30. Last evaluated: 2019-08-11. Review status: criteria provided, single submitter. Criteria: Invitae Variant Classification Sherloc (09022015). Collection method: clinical testing. Allele origin: germline.
Comment: This sequence change falls in intron 10 of the CCDC151 gene. It does not directly change the encoded amino acid sequence of the CCDC151 protein. This variant is present in population databases (rs371246808, ExAC 0.04%). In summary, the available evidence is currently insufficient to determine the role of this variant in disease. Therefore, it has been classified as a Variant of Uncertain Significance. Algorithms developed to predict the effect of sequence changes on RNA splicing suggest that this variant may disrupt the consensus splice site, but this prediction has not been confirmed by published transcriptional studies. This variant has not been reported in the literature in individuals with CCDC151-related conditions.

Baylor Genetics
Classification: Uncertain significance for Primary ciliary dyskinesia 30. Last evaluated: 2018-10-30. Review status: criteria provided, single submitter. Criteria: ACMG Guidelines, 2015. Collection method: clinical testing. Allele origin: maternal. Affected: yes.
Comment: This variant was determined to be of uncertain significance according to ACMG Guidelines, 2015 [PMID:25741868].

NM_145045.5(ODAD3):c.1435-5C>A

Gene: ODAD3 (outer dynein arm docking complex subunit 3; minus strand). Cytogenetic location: 19p13.2.
Variant type: single nucleotide variant.
Coding change: c.1435-5C>A on transcript NM_145045.5 (MANE Select); 5 bases into the intron before coding-DNA position 1435, C replaced by A.
Molecular consequence: intron variant.
Genome position (GRCh38, 1-based): chr19:11,421,837, G>T on the plus strand (C>A on the coding strand, the complement: ODAD3 is on the minus strand). VCF-style: chr19-11421837-G-T. GRCh37 (hg19) VCF-style: chr19-11532505-G-T.
Other names: c.1273-5C>A (NM_001302453.1); c.1255-5C>A (NM_001302454.2).
Identifiers: ClinVar variation 949281 (VCV000949281.14), dbSNP rs371246808, ClinGen allele CA9212025.